The following is an entry in ClinVar:

NM_032545.4(CFC1):c.140G>A (p.Arg47Gln)

Gene: CFC1 (cryptic, EGF-CFC family member 1; minus strand). Cytogenetic location: 2q21.1.
Variant type: single nucleotide variant.
Coding change: c.140G>A on transcript NM_032545.4 (MANE Select); coding-DNA position 140, G replaced by A.
Protein change: p.Arg47Gln; replaces arginine 47 with glutamine.
Molecular consequence: missense variant.
Genome position (GRCh38, 1-based): chr2:130,598,749, C>T on the plus strand (G>A on the coding strand, the complement: CFC1 is on the minus strand). VCF-style: chr2-130598749-C-T. GRCh37 (hg19) VCF-style: chr2-131356322-C-T.
Other names: p.R47Q:CGA>CAA; c.140G>A, p.Arg47Gln (NM_001270420.2, NM_001270421.2); short protein forms R47Q.
Identifiers: ClinVar variation 136733 (VCV000136733.5), dbSNP rs201431919, ClinGen allele CA290047.

ClinVar aggregate classification (germline): Benign. Review status: criteria provided, multiple submitters, no conflicts (2 of 4 stars). 4 submissions from 4 submitters: Benign (2). 2 of the submissions do not count toward it. Last evaluated 2013-08-07.

Allele frequency attached by ClinVar (database versions not stated): gnomAD 0.05173 and 0.05582; 1000 Genomes Project 30x 0.07745; ExAC 0.01933; gnomAD exomes 0.01363; 1000 Genomes Project 0.07428.
gnomAD v4.1: 15,721 of 1,604,432 alleles (0.98%); highest among the groups gnomAD compares: African/African-American, 20%; 376 homozygotes.

Submissions (4):

GeneDx
Classification: Benign. Last evaluated: 2013-08-07. Review status: criteria provided, single submitter. Criteria: GeneDx Variant Classification (06012015). Collection method: clinical testing. Allele origin: germline. Affected: yes.
Comment: This variant is considered likely benign or benign based on one or more of the following criteria: it is a conservative change, it occurs at a poorly conserved position in the protein, it is predicted to be benign by multiple in silico algorithms, and/or has population frequency not consistent with disease.

Breakthrough Genomics
Classification: Benign. Review status: criteria provided, single submitter. Criteria: ACMG Guidelines, 2015. Collection method: not provided. Allele origin: germline. Inheritance: Autosomal dominant inheritance. Affected: yes.

Joint Genome Diagnostic Labs from Nijmegen and Maastricht, Radboudumc and MUMC+
Classification: Likely benign. Review status: no assertion criteria provided. Collection method: clinical testing. Allele origin: germline. Affected: yes. Study: VKGL Data-share Consensus. Not counted in ClinVar's aggregate classification.

Laboratory of Diagnostic Genome Analysis, Leiden University Medical Center (LUMC)
Classification: Benign. Review status: no assertion criteria provided. Collection method: clinical testing. Allele origin: germline. Affected: yes. Study: VKGL Data-share Consensus. Not counted in ClinVar's aggregate classification.